The following is an entry in ClinVar:

ClinVar aggregate classification (germline): Uncertain significance (1 of 4 stars; one submission).

Conditions:
TUBB4A-related hypomyelinating leukodystrophy and/or torsion dystonia.

Submission:

Illumina Laboratory Services, Illumina
Classification: Uncertain significance for TUBB4A-related hypomyelinating leukodystrophy and/or torsion dystonia. Last evaluated: 2021-04-07. Review status: criteria provided, single submitter. Criteria: ICSLVariantClassificationCriteria RUGD 01 April 2020. Collection method: clinical testing. Allele origin: unknown.
Comment: The TUBB4A c.187T>C (p.Cys63Arg) variant is a missense variant. A literature search was performed for the gene, cDNA change, and amino acid change. No publications were found based on this search. This variant is not found in the Genome Aggregation Database in a region of good sequence coverage, so the variant is presumed to be rare. Based on the limited evidence, the p.Cys63Arg variant is classified as a variant of uncertain significance for TUBB4A-related hypomyelinating leukodystrophy and/or torsion dystonia.

NM_006087.4(TUBB4A):c.34T>C (p.Cys12Arg)

Genes: TUBB4A (tubulin beta 4A class IVa; minus strand), LOC130063295 (ATAC-STARR-seq lymphoblastoid silent region 9955; plus strand). Cytogenetic location: 19p13.3.
Variant type: single nucleotide variant.
Coding change: c.34T>C on transcript NM_006087.4 (MANE Select); coding-DNA position 34, T replaced by C.
Protein change: p.Cys12Arg; replaces cysteine 12 with arginine.
Molecular consequence: missense variant. On other transcripts: 5 prime UTR variant (1), intron variant (1).
Genome position (GRCh38, 1-based): chr19:6,502,179, A>G on the plus strand (T>C on the coding strand, the complement: TUBB4A is on the minus strand). VCF-style: chr19-6502179-A-G. GRCh37 (hg19) VCF-style: chr19-6502190-A-G.
Other names: c.187T>C, p.Cys63Arg (NM_001289123.2); c.169T>C, p.Cys57Arg (NM_001289127.2); c.34T>C, p.Cys12Arg (NM_001289129.2); c.-140T>C (NM_001289130.2); c.-117+10T>C (NM_001289131.2); short protein forms C12R, C57R, C63R.
Identifiers: ClinVar variation 1328535 (VCV001328535.4), dbSNP rs2145261476, ClinGen allele CA403595247.